The following is an entry in ClinVar:

NR_199791.1(RNU2-2):n.142_153dup

Genes: RNU2-2 (RNA, U2 small nuclear 2; minus strand), WDR74 (WD repeat domain 74; minus strand). Cytogenetic location: 11q12.3.
Variant type: Duplication.
Molecular consequence: non-coding transcript variant (on NR_199791.1). On other transcripts: 5 prime UTR variant (1).
Genome position: GRCh38 VCF-style: chr11-62841656-G-GTCGATGCGTGGA. GRCh37 (hg19) VCF-style: chr11-62609128-G-GTCGATGCGTGGA.
Other names: c.-397_-386dup (NM_001369451.1).
Identifiers: ClinVar variation 4540523 (VCV004540523.1).
Genomic context (GRCh38, chr11:62,841,656, plus strand): 5'-CAACGGTTGTTCTCTCCCCGAAGGGAGAGTGCACCGTTCCTGGAAGTACTGCAATACCAG[G>GTCGATGCGTGGA]TCGATGCGTGGAGTGGACGGAGCAAGCTCCTATTCCATCTCCTATTTCCAAAAATCCATT-3'

ClinVar aggregate classification (germline): Uncertain significance (1 of 4 stars; one submission).

Submission:

Institute for Human Genetics, University Hospital Essen
Classification: Uncertain significance. Last evaluated: 2025-11-27. Review status: criteria provided, single submitter. Criteria: Submitter's publication. Collection method: clinical testing. Allele origin: biparental. Inheritance: Autosomal unknown. Affected: yes. Observed: 1 variant allele, 1 homozygote.
Comment: PM1_supp, PM2_supp (criteria rationale detailed in Leitão et al. Nature Genetics 2026)